The following is an entry in ClinVar:

NM_000384.3(APOB):c.4348A>G (p.Lys1450Glu)

Gene: APOB (apolipoprotein B; minus strand). Cytogenetic location: 2p24.1.
Variant type: single nucleotide variant.
Coding change: c.4348A>G on transcript NM_000384.3 (MANE Select); coding-DNA position 4348, A replaced by G.
Protein change: p.Lys1450Glu; replaces lysine 1450 with glutamic acid.
Molecular consequence: missense variant.
Genome position (GRCh38, 1-based): chr2:21,012,520, T>C on the plus strand (A>G on the coding strand, the complement: APOB is on the minus strand). VCF-style: chr2-21012520-T-C. GRCh37 (hg19) VCF-style: chr2-21235392-T-C.
Other names: short protein forms K1450E.
Identifiers: ClinVar variation 1739897 (VCV001739897.6), dbSNP rs981757203, ClinGen allele CA43508486.

ClinVar aggregate classification (germline): Conflicting classifications of pathogenicity. Review status: criteria provided, conflicting classifications (1 of 4 stars). 3 submissions from 3 submitters: Uncertain significance (2); Likely benign (1). Last evaluated 2026-01-27.

Conditions:
Familial hypobetalipoproteinemia 1. Also called: APOB-Related Familial Hypobetalipoproteinemia; Hypobetalipoproteinemia, normotriglyceridemic; Acanthocytosis with hypobetalipoproteinemia. Identifiers: MedGen C4551990, MONDO:0014252, OMIM 615558.
Hypercholesterolemia, autosomal dominant, type B (FHCL2). Also called: Hyperlipoproteinemia Type IIb; Familial hypercholesterolemia 2; Familial Hypercholesterolemia Type B; APOLIPOPROTEIN B-100, FAMILIAL DEFECTIVE; APOLIPOPROTEIN B-100, FAMILIAL LIGAND-DEFECTIVE; HYPERCHOLESTEROLEMIA, FAMILIAL, DUE TO LIGAND-DEFECTIVE APOLIPOPROTEIN B. Identifiers: MedGen C1704417, MONDO:0007751, OMIM 144010.
Familial hypercholesterolemia. Also called: Familial hypercholesterolemias; Familial hypercholesterolaemia. Identifiers: MedGen C0020445, MONDO:0005439.
Cardiovascular phenotype. Identifiers: MedGen CN230736.

Allele frequency attached by ClinVar (database versions not stated): gnomAD 0.00001; TOPMed 0.00002; gnomAD exomes 0.00006.
gnomAD v4.1: 82 of 1,614,128 alleles (0.0051%); highest among the groups gnomAD compares: Non-Finnish European, 0.0069%; no homozygotes.

Submissions (3):

Cambridge Genomics Laboratory, East Genomic Laboratory Hub, NHS Genomic Medicine Service
Classification: Uncertain significance for Familial hypercholesterolaemia. Last evaluated: 2026-01-27. Review status: criteria provided, single submitter. Criteria: ACGS Best Practice Guidelines for Variant Classification in Rare Disease 2020. Collection method: clinical testing. Allele origin: germline. Affected: yes.
Comment: PM2_Supporting,PP4

Labcorp Genetics (formerly Invitae), Labcorp
Classification: Likely benign for Familial hypobetalipoproteinemia 1; Hypercholesterolemia, autosomal dominant, type B. Last evaluated: 2025-12-13. Review status: criteria provided, single submitter. Criteria: Invitae Variant Classification Sherloc (09022015). Collection method: clinical testing. Allele origin: germline.

Ambry Genetics
Classification: Uncertain significance for Cardiovascular phenotype. Last evaluated: 2025-06-07. Review status: criteria provided, single submitter. Criteria: Ambry Variant Classification Scheme 2023. Collection method: clinical testing. Allele origin: germline.